The following is an entry in ClinVar:

ClinVar aggregate classification (germline): Uncertain significance. Review status: criteria provided, multiple submitters, no conflicts (2 of 4 stars). 2 submissions from 2 submitters: Uncertain significance (2). Last evaluated 2025-04-12.

Conditions:
Isolated microphthalmia 5. Also called: Posterior Microphthalmia with Retinitis Pigmentosa, Foveoschisis, and Optic Disc Drusen. Identifiers: Orphanet 251279, MedGen C1970236, MONDO:0012605, OMIM 611040.
Inborn genetic diseases. Identifiers: MedGen C0950123, MeSH D030342.

Allele frequency attached by ClinVar (database versions not stated): ExAC 0.00005; TOPMed 0.00013; ESP Exome Variant Server 0.00015; gnomAD 0.00010; gnomAD exomes 0.00005.
gnomAD v4.1: 88 of 1,613,540 alleles (0.0055%); highest among the groups gnomAD compares: Admixed American, 0.027%; no homozygotes.

Submissions (2):

Ambry Genetics
Classification: Uncertain significance for Inborn genetic diseases. Last evaluated: 2025-04-12. Review status: criteria provided, single submitter. Criteria: Ambry Variant Classification Scheme 2023. Collection method: clinical testing. Allele origin: germline.

Labcorp Genetics (formerly Invitae), Labcorp
Classification: Uncertain significance for Isolated microphthalmia 5. Last evaluated: 2023-07-17. Review status: criteria provided, single submitter. Criteria: Invitae Variant Classification Sherloc (09022015). Collection method: clinical testing. Allele origin: germline.
Comment: This sequence change replaces valine, which is neutral and non-polar, with alanine, which is neutral and non-polar, at codon 498 of the MFRP protein (p.Val498Ala). This variant is present in population databases (rs143455110, gnomAD 0.02%). This variant has not been reported in the literature in individuals affected with MFRP-related conditions. Advanced modeling of protein sequence and biophysical properties (such as structural, functional, and spatial information, amino acid conservation, physicochemical variation, residue mobility, and thermodynamic stability) performed at Invitae indicates that this missense variant is not expected to disrupt MFRP protein function. Algorithms developed to predict the effect of sequence changes on RNA splicing suggest that this variant may create or strengthen a splice site. In summary, the available evidence is currently insufficient to determine the role of this variant in disease. Therefore, it has been classified as a Variant of Uncertain Significance.

NM_031433.4(MFRP):c.1493T>C (p.Val498Ala)

Genes: C1QTNF5 (C1q and TNF related 5; minus strand), MFRP (membrane frizzled-related protein; minus strand). Cytogenetic location: 11q23.3.
Variant type: single nucleotide variant.
Coding change: c.1493T>C on transcript NM_031433.4 (MANE Select); coding-DNA position 1493, T replaced by C.
Protein change: p.Val498Ala; replaces valine 498 with alanine.
Molecular consequence: missense variant. On other transcripts: 5 prime UTR variant (1).
Genome position (GRCh38, 1-based): chr11:119,341,879, A>G on the plus strand (T>C on the coding strand, the complement: MFRP is on the minus strand). VCF-style: chr11-119341879-A-G. GRCh37 (hg19) VCF-style: chr11-119212589-A-G.
Other names: c.-1144T>C (NM_015645.5); short protein forms V498A.
Identifiers: ClinVar variation 2028472 (VCV002028472.3), dbSNP rs143455110, ClinGen allele CA6320091.